The following is an entry in ClinVar:

ClinVar aggregate classification (germline): Uncertain significance (1 of 4 stars; one submission).

gnomAD v4.1: 4 of 1,595,184 alleles (0.00025%); highest among the groups gnomAD compares: Non-Finnish European, 0.00034%; no homozygotes.

Submission:

CeGaT Center for Human Genetics Tuebingen
Classification: Uncertain significance. Last evaluated: 2025-04-01. Review status: criteria provided, single submitter. Criteria: CeGaT Center For Human Genetics Tuebingen Variant Classification Criteria Version 2. Collection method: clinical testing. Allele origin: germline. Affected: yes. Observed: 1 variant allele.
Comment: TTN: PM2

NM_001267550.2(TTN):c.63494C>T (p.Pro21165Leu)

Genes: TTN (titin; minus strand), TTN-AS1 (TTN antisense RNA 1; plus strand). Cytogenetic location: 2q31.2.
Variant type: single nucleotide variant.
Coding change: c.63494C>T on transcript NM_001267550.2 (MANE Select); coding-DNA position 63494, C replaced by T.
Protein change: p.Pro21165Leu; replaces proline 21165 with leucine.
Molecular consequence: missense variant.
Genome position (GRCh38, 1-based): chr2:178,587,913, G>A on the plus strand (C>T on the coding strand, the complement: TTN is on the minus strand). VCF-style: chr2-178587913-G-A. GRCh37 (hg19) VCF-style: chr2-179452640-G-A.
Other names: c.58571C>T, p.Pro19524Leu (NM_001256850.1); c.36299C>T, p.Pro12100Leu (NM_003319.4); c.55790C>T, p.Pro18597Leu (NM_133378.4); c.36674C>T, p.Pro12225Leu (NM_133432.3); c.36875C>T, p.Pro12292Leu (NM_133437.4); short protein forms P12100L, P12225L, P12292L, P18597L, P19524L, P21165L.
Identifiers: ClinVar variation 3898340 (VCV003898340.7).